The following is an entry in ClinVar:

NM_000256.3(MYBPC3):c.1256G>A (p.Arg419His)

Gene: MYBPC3 (myosin binding protein C3; minus strand). Cytogenetic location: 11p11.2.
Variant type: single nucleotide variant.
Coding change: c.1256G>A on transcript NM_000256.3 (MANE Select); coding-DNA position 1256, G replaced by A.
Protein change: p.Arg419His; replaces arginine 419 with histidine.
Molecular consequence: missense variant.
Genome position (GRCh38, 1-based): chr11:47,343,116, C>T on the plus strand (G>A on the coding strand, the complement: MYBPC3 is on the minus strand). VCF-style: chr11-47343116-C-T. GRCh37 (hg19) VCF-style: chr11-47364667-C-T.
Other names: c.1256G>A, p.Arg419His (LRG_386t1); short protein forms R419H.
Identifiers: ClinVar variation 384437 (VCV000384437.14), dbSNP rs770030288, ClinGen allele CA077956.

ClinVar aggregate classification (germline): Uncertain significance. Review status: criteria provided, multiple submitters, no conflicts (2 of 4 stars). 6 submissions from 6 submitters: Uncertain significance (6). Last evaluated 2025-11-22.

Conditions:
Cardiovascular phenotype. Identifiers: MedGen CN230736.
Cardiomyopathy (CMYO). Also called: Cardiomyopathies. Identifiers: Orphanet 167848, MedGen C0878544, MONDO:0004994, HP:0001638. Inheritance: Various modes of inheritance.
Hypertrophic cardiomyopathy 4. Also called: Familial hypertrophic cardiomyopathy 4. Identifiers: MedGen C1861862, MONDO:0007268, OMIM 115197.
Hypertrophic cardiomyopathy. Also called: HYPERTROPHIC MYOCARDIOPATHY. Identifiers: Orphanet 217569, MedGen C0007194, MeSH D002312, MONDO:0005045, HP:0001639.

Allele frequency attached by ClinVar (database versions not stated): gnomAD exomes 0.00001; TOPMed 0.00001; gnomAD 0.00004.
gnomAD v4.1: 14 of 1,611,528 alleles (0.00087%); highest among the groups gnomAD compares: Middle Eastern, 0.016%; no homozygotes.

Submissions (6):

Labcorp Genetics (formerly Invitae), Labcorp
Classification: Uncertain significance for Hypertrophic cardiomyopathy. Last evaluated: 2025-11-22. Review status: criteria provided, single submitter. Criteria: Invitae Variant Classification Sherloc (09022015). Collection method: clinical testing. Allele origin: germline.
Comment: This sequence change replaces arginine, which is basic and polar, with histidine, which is basic and polar, at codon 419 of the MYBPC3 protein (p.Arg419His). The frequency data for this variant in the population databases is considered unreliable, as metrics indicate poor data quality at this position in the gnomAD database. This missense change has been observed in individual(s) with clinical features of MYBPC3-related conditions (PMID: 21520333). ClinVar contains an entry for this variant (Variation ID: 384437). An algorithm developed to predict the effect of missense changes on protein structure and function (PolyPhen-2) suggests that this variant is likely to be disruptive. In summary, the available evidence is currently insufficient to determine the role of this variant in disease. Therefore, it has been classified as a Variant of Uncertain Significance.

Ambry Genetics
Classification: Uncertain significance for Cardiovascular phenotype. Last evaluated: 2025-08-15. Review status: criteria provided, single submitter. Criteria: Ambry Variant Classification Scheme 2023. Collection method: clinical testing. Allele origin: germline.
Comment: The p.R419H variant (also known as c.1256G>A), located in coding exon 15 of the MYBPC3 gene, results from a G to A substitution at nucleotide position 1256. The arginine at codon 419 is replaced by histidine, an amino acid with highly similar properties. This amino acid position is highly conserved in available vertebrate species. In addition, the in silico prediction for this alteration is inconclusive. Based on the available evidence, the clinical significance of this variant remains unclear.

Molecular Diagnostic Laboratory for Inherited Cardiovascular Disease, Montreal Heart Institute
Classification: Uncertain significance for Cardiovascular phenotype. Last evaluated: 2025-04-09. Review status: criteria provided, single submitter. Criteria: ACMG Guidelines, 2015. Collection method: clinical testing. Allele origin: germline. Affected: yes.
Comment: PM2, BP5

Clinical Genomics Laboratory, Washington University in St. Louis
Classification: Uncertain significance for Hypertrophic cardiomyopathy 4. Last evaluated: 2025-01-17. Review status: criteria provided, single submitter. Criteria: ACMG Guidelines, 2015. Collection method: clinical testing. Allele origin: germline.
Comment: The MYBPC3 c.1256G>A (p.Arg419His) variant has been reported in at least one individual with hypertrophic cardiomyopathy (Ito K et al., PMID: 28679633; Walsh R et al., PMID: 27532257). This variant has been reported in the ClinVar database as a germline variant of uncertain significance by three submitters (Variation ID: 384437). This variant is seen on 5/274,852 alleles in the general population (gnomAD v.2.1.1), indicating it is not a common variant. Computational predictors suggest that the variant does not impact MYBPC3 function. Due to conflicting information, and based on ACMG/AMP guidelines for variant interpretation (Richards S et al., PMID: 25741868), the clinical significance of the MYBPC3 c.1256G>A (p.Arg419His) variant is uncertain at this time.

GeneDx
Classification: Uncertain significance. Last evaluated: 2025-01-06. Review status: criteria provided, single submitter. Criteria: GeneDx Variant Classification Process June 2021. Collection method: clinical testing. Allele origin: germline. Affected: yes.
Comment: Has not been previously published as pathogenic or benign in association with a MYBPC3-related disorder to our knowledge; Not observed at significant frequency in large population cohorts (gnomAD); In silico analysis supports that this missense variant has a deleterious effect on protein structure/function; This variant is associated with the following publications: (PMID: 21520333, 35982159, 33057194)

Color Diagnostics, LLC DBA Color Health
Classification: Uncertain significance for Cardiomyopathy. Last evaluated: 2024-05-14. Review status: criteria provided, single submitter. Criteria: ACMG Guidelines, 2015. Collection method: clinical testing. Allele origin: germline.
Comment: This missense variant replaces arginine with histidine at codon 419 of the MYBPC3 protein. Computational prediction tools indicate that this variant has a neutral impact on protein structure and function. To our knowledge, functional studies have not been reported for this variant. This variant has not been reported in individuals affected with MYBPC3-related disorders in the literature. This variant has been identified in 5/274852 chromosomes in the general population by the Genome Aggregation Database (gnomAD). The available evidence is insufficient to determine the role of this variant in disease conclusively. Therefore, this variant is classified as a Variant of Uncertain Significance.

Literature cited by the submitters: PubMed 21520333 (cited by Labcorp Genetics (formerly Invitae), Labcorp).